The following is an entry in ClinVar:

NM_001025603.2(RFX5):c.474-3C>A

Gene: RFX5 (regulatory factor X5; minus strand). Cytogenetic location: 1q21.3.
Variant type: single nucleotide variant.
Coding change: c.474-3C>A on transcript NM_001025603.2 (MANE Select); 3 bases into the intron before coding-DNA position 474, C replaced by A.
Molecular consequence: intron variant.
Genome position (GRCh38, 1-based): chr1:151,344,281, G>T on the plus strand (C>A on the coding strand, the complement: RFX5 is on the minus strand). VCF-style: chr1-151344281-G-T. GRCh37 (hg19) VCF-style: chr1-151316757-G-T.
Other names: c.354-3C>A (NM_001379419.1, NM_001379420.1); c.474-3C>A (NM_000449.4, NM_001379413.1, NM_001379417.1 and 5 more transcripts).
Identifiers: ClinVar variation 636450 (VCV000636450.5), dbSNP rs373984217, ClinGen allele CA1089815.
Genomic context (GRCh38, chr1:151,344,281, plus strand): 5'-TCCAGGCAGGGGTGGCATAGACACCAAGGTCTTCCTCCTTATGCCACTGTAGCAATATCT[G>T]ATGCAAGTTAAAGAGCAGCCAACACATGGCGATCTCCAAGCCCCTCGAGCAAGTTAAGCT-3'

ClinVar aggregate classification (germline): Uncertain significance. Review status: criteria provided, multiple submitters, no conflicts (2 of 4 stars). 3 submissions from 3 submitters: Uncertain significance (3). Last evaluated 2023-11-20.

Conditions:
MHC class II deficiency. Also called: Bare lymphocyte syndrome 2; BLS, TYPE II. Identifiers: Orphanet 572, MedGen C5447452, MONDO:0008855.

Allele frequency attached by ClinVar (database versions not stated): ExAC 0.00003; gnomAD exomes 0.00003 and 0.00005; gnomAD 0.00005 and 0.00006; TOPMed 0.00007; ESP Exome Variant Server 0.00015.
gnomAD v4.1: 84 of 1,614,016 alleles (0.0052%); highest among the groups gnomAD compares: African/African-American, 0.0067%; no homozygotes.

Submissions (3):

Blueprint Genetics
Classification: Uncertain significance. Last evaluated: 2023-11-20. Review status: criteria provided, single submitter. Criteria: ACMG Guidelines, 2015. Collection method: clinical testing. Allele origin: germline.

Labcorp Genetics (formerly Invitae), Labcorp
Classification: Uncertain significance for MHC class II deficiency. Last evaluated: 2023-11-15. Review status: criteria provided, single submitter. Criteria: Invitae Variant Classification Sherloc (09022015). Collection method: clinical testing. Allele origin: germline.
Comment: This sequence change falls in intron 7 of the RFX5 gene. It does not directly change the encoded amino acid sequence of the RFX5 protein. It affects a nucleotide within the consensus splice site. This variant is present in population databases (rs373984217, gnomAD 0.02%). This variant has not been reported in the literature in individuals affected with RFX5-related conditions. ClinVar contains an entry for this variant (Variation ID: 636450). Variants that disrupt the consensus splice site are a relatively common cause of aberrant splicing (PMID: 17576681, 9536098). Algorithms developed to predict the effect of sequence changes on RNA splicing suggest that this variant may disrupt the consensus splice site. In summary, the available evidence is currently insufficient to determine the role of this variant in disease. Therefore, it has been classified as a Variant of Uncertain Significance.

Genome-Nilou Lab
Classification: Uncertain significance for MHC class II deficiency 1. Last evaluated: 2023-04-11. Review status: criteria provided, single submitter. Criteria: ACMG Guidelines, 2015. Collection method: clinical testing. Allele origin: germline. Affected: no.

Literature cited by the submitters: PubMed 17576681 (cited by Labcorp Genetics (formerly Invitae), Labcorp); PubMed 9536098 (cited by Labcorp Genetics (formerly Invitae), Labcorp).